The following is an entry in ClinVar:

NM_003119.4(SPG7):c.987+57C>T

Gene: SPG7 (SPG7 matrix AAA peptidase subunit, paraplegin; plus strand). Cytogenetic location: 16q24.3.
Variant type: single nucleotide variant.
Coding change: c.987+57C>T on transcript NM_003119.4 (MANE Select); 57 bases into the intron after coding-DNA position 987, C replaced by T.
Molecular consequence: intron variant.
Genome position (GRCh38, 1-based): chr16:89,530,865, C>T. VCF-style: chr16-89530865-C-T. GRCh37 (hg19) VCF-style: chr16-89597273-C-T.
Other names: c.987+57C>T (NM_001363850.1, NM_199367.3).
Identifiers: ClinVar variation 676615 (VCV000676615.2), dbSNP rs112188712, ClinGen allele CA286543220.

ClinVar aggregate classification (germline): Likely benign. Review status: criteria provided, multiple submitters, no conflicts (2 of 4 stars). 2 submissions from 2 submitters: Likely benign (2). Last evaluated 2018-06-14.

Allele frequency attached by ClinVar (database versions not stated): gnomAD exomes 0.00113; 1000 Genomes Project 0.01018; 1000 Genomes Project 30x 0.01093; gnomAD 0.01178 and 0.01277; TOPMed 0.01388.
gnomAD v4.1: 3,546 of 1,610,300 alleles (0.22%); highest among the groups gnomAD compares: African/African-American, 4%; 71 homozygotes.

Submissions (2):

GeneDx
Classification: Likely benign. Last evaluated: 2018-06-14. Review status: criteria provided, single submitter. Criteria: GeneDx Variant Classification (06012015). Collection method: clinical testing. Allele origin: germline. Affected: yes.
Comment: This variant is considered likely benign or benign based on one or more of the following criteria: it is a conservative change, it occurs at a poorly conserved position in the protein, it is predicted to be benign by multiple in silico algorithms, and/or has population frequency not consistent with disease.

Breakthrough Genomics
Classification: Likely benign. Review status: criteria provided, single submitter. Criteria: ACMG Guidelines, 2015. Collection method: not provided. Allele origin: germline. Inheritance: Autosomal recessive inheritance. Affected: yes.